The following is an entry in ClinVar:

ClinVar aggregate classification (germline): Conflicting classifications of pathogenicity. Review status: criteria provided, conflicting classifications (1 of 4 stars). 6 submissions from 6 submitters: Uncertain significance (2); Likely benign (4). Last evaluated 2026-05-01.

Conditions:
Inborn genetic diseases. Identifiers: MedGen C0950123, MeSH D030342.
Mowat-Wilson syndrome (MOWS). Also called: Classic Mowat-Wilson Syndrome. Identifiers: Orphanet 2152, MedGen C1856113, MONDO:0009341, OMIM 235730.

Submissions (6):

CeGaT Center for Human Genetics Tuebingen
Classification: Likely benign. Last evaluated: 2026-05-01. Review status: criteria provided, single submitter. Criteria: CeGaT Center For Human Genetics Tuebingen Variant Classification Criteria Version 2. Collection method: clinical testing. Allele origin: germline. Affected: yes. Observed: 2 variant alleles.
Comment: ZEB2: PM4, BS2

Labcorp Genetics (formerly Invitae), Labcorp
Classification: Likely benign for Mowat-Wilson syndrome. Last evaluated: 2025-09-15. Review status: criteria provided, single submitter. Criteria: Invitae Variant Classification Sherloc (09022015). Collection method: clinical testing. Allele origin: germline.

Ambry Genetics
Classification: Likely benign for Inborn genetic diseases. Last evaluated: 2025-06-13. Review status: criteria provided, single submitter. Criteria: Ambry Variant Classification Scheme 2023. Collection method: clinical testing. Allele origin: germline.

Genome-Nilou Lab
Classification: Likely benign for Mowat-Wilson syndrome. Last evaluated: 2021-11-07. Review status: criteria provided, single submitter. Criteria: ACMG Guidelines, 2015. Collection method: clinical testing. Allele origin: germline. Affected: no.

Revvity Omics, Revvity
Classification: Uncertain significance for Mowat-Wilson syndrome. Last evaluated: 2019-07-12. Review status: criteria provided, single submitter. Criteria: ACMG Guidelines, 2015. Collection method: clinical testing. Allele origin: germline.

GeneDx
Classification: Uncertain significance for Mowat-Wilson Syndrome: Autosomal dominant inheritence. Last evaluated: 2012-11-26. Review status: criteria provided, single submitter. Criteria: GeneDx Variant Classification (06012015). Collection method: clinical testing. Allele origin: germline. Affected: yes.
Comment: This variant is denoted c.82_87delTATGAC at the cDNA level and p.Tyr28_Asp29del (Y28_D29del) at the protein level; it is in exon 3 of the ZEB2 gene (NM_014795.2). The normal sequence with the bases that are deleted in braces is: GAAC{TATGAC}AATG. The c.82_87delTATGAC change has not been published as a mutation nor has it been reported as a benign polymorphism, to our knowledge. It has not been identified in the 1000 Genomes Project, indicating that it is not a common benign variant. It results in an in-frame deletion of two amino acids (Tyr28 and Asp29) within a region of the ZEB2 protein that is well conserved in mammals, but not in a known structural or functional domain. The vast majority of mutations in the ZEB2 gene associated with Mowat-Wilson syndrome are frameshift and nonsense mutations (Garavelli et al., 2009). Therefore, based on the currently available information, it is unclear whether c.82_87delTATGAC is a disease-causing mutation or a rare benign variant. The variant is found in CHILD-EPI panel(s).

NM_014795.4(ZEB2):c.82_87del (p.Tyr28_Asp29del)

Gene: ZEB2 (zinc finger E-box binding homeobox 2; minus strand). Cytogenetic location: 2q22.3.
Variant type: Deletion.
Coding change: c.82_87del on transcript NM_014795.4 (MANE Select); coding-DNA positions 82 to 87, 6 bases deleted (TATGAC; older notation c.82_87delTATGAC).
Protein change: p.Tyr28_Asp29del.
Molecular consequence: inframe deletion.
Genome position (GRCh38, 1-based): chr2:144,430,013-144,430,018, GTCATA deleted on the plus strand (TATGAC on the coding strand, the reverse complement: ZEB2 is on the minus strand); deleting any 6 consecutive bases within chr2:144,430,013-144,430,020 gives the same sequence; the c. name uses the placement nearest the transcript's 3' end. VCF-style (leftmost placement, unchanged base first): chr2-144430012-TGTCATA-T. GRCh37 (hg19) VCF-style: chr2-145187579-TGTCATA-T.
Other names: c.82_87del, p.Tyr28_Asp29del (NM_001171653.2); c.82_87del (NM_014795.3).
Identifiers: ClinVar variation 181757 (VCV000181757.25), dbSNP rs730881214, ClinGen allele CA297634.